The following is an entry in ClinVar:

NM_138295.5(PKD1L1):c.7109A>G (p.Lys2370Arg)

Genes: PKD1L1-AS1 (PKD1L1 antisense RNA 1; plus strand), PKD1L1 (polycystin 1 like 1, transient receptor potential channel interacting; minus strand). Cytogenetic location: 7p12.3.
Variant type: single nucleotide variant.
Coding change: c.7109A>G on transcript NM_138295.5 (MANE Select); coding-DNA position 7109, A replaced by G.
Protein change: p.Lys2370Arg; replaces lysine 2370 with arginine.
Molecular consequence: missense variant.
Genome position (GRCh38, 1-based): chr7:47,813,995, T>C on the plus strand (A>G on the coding strand, the complement: PKD1L1 is on the minus strand). VCF-style: chr7-47813995-T-C. GRCh37 (hg19) VCF-style: chr7-47853593-T-C.
Other names: short protein forms K2370R.
Identifiers: ClinVar variation 4778731 (VCV004778731.1).
Genomic context (GRCh38, chr7:47,813,995, plus strand): 5'-CATAAATGCCTAGGAAAAACTTTTAGCTGCCTAATTACGGAACTGCCTATTAGGTAGCAT[T>C]TTCCTCCAAGAGCTCCAGGCTGAAAGGAGAAAAAAGATGATGAGGACTGGGTGTGCTGTG-3'
Protein context (NP_612152.1, residues 2360-2380): PGAQPGALGG[Lys2370Arg]CYLIGSSVIR

ClinVar aggregate classification (germline): Uncertain significance (1 of 4 stars; one submission).

gnomAD v4.1: 13 of 1,613,914 alleles (0.00081%); highest among the groups gnomAD compares: African/African-American, 0.0013%; no homozygotes.

Submission:

Labcorp Genetics (formerly Invitae), Labcorp
Classification: Uncertain significance. Last evaluated: 2025-12-01. Review status: criteria provided, single submitter. Criteria: Invitae Variant Classification Sherloc (09022015). Collection method: clinical testing. Allele origin: germline.
Comment: This sequence change replaces lysine, which is basic and polar, with arginine, which is basic and polar, at codon 2370 of the PKD1L1 protein (p.Lys2370Arg). This variant is present in population databases (rs769735498, gnomAD 0.004%). This variant has not been reported in the literature in individuals affected with PKD1L1-related conditions. An algorithm developed to predict the effect of missense changes on protein structure and function outputs the following: PolyPhen-2: "Benign". The arginine amino acid residue is found in multiple mammalian species, which suggests that this missense change does not adversely affect protein function. In summary, the available evidence is currently insufficient to determine the role of this variant in disease. Therefore, it has been classified as a Variant of Uncertain Significance.